The following is an entry in ClinVar:

ClinVar aggregate classification (germline): Pathogenic (1 of 4 stars; one submission).

Conditions:
Arrhythmogenic right ventricular dysplasia 9 (ARVD9). Also called: ARRHYTHMOGENIC RIGHT VENTRICULAR DYSPLASIA, FAMILIAL, 9; Arrhythmogenic Right Ventricular Dysplasia/Cardiomyopathy 9. Identifiers: MedGen C1836906, MONDO:0012180, OMIM 609040.

Submission:

Labcorp Genetics (formerly Invitae), Labcorp
Classification: Pathogenic for Arrhythmogenic right ventricular dysplasia 9. Last evaluated: 2024-09-12. Review status: criteria provided, single submitter. Criteria: Invitae Variant Classification Sherloc (09022015). Collection method: clinical testing. Allele origin: germline.
Comment: This sequence change creates a premature translational stop signal (p.Gly23*) in the PKP2 gene. It is expected to result in an absent or disrupted protein product. Loss-of-function variants in PKP2 are known to be pathogenic (PMID: 15489853, 17041889, 23911551). This variant is not present in population databases (gnomAD no frequency). This variant has not been reported in the literature in individuals affected with PKP2-related conditions. For these reasons, this variant has been classified as Pathogenic.

Literature cited by the submitters: PubMed 15489853; PubMed 17041889; PubMed 23911551.

NM_001005242.3(PKP2):c.67G>T (p.Gly23Ter)

Gene: PKP2 (plakophilin 2; minus strand). Cytogenetic location: 12p11.21.
Variant type: single nucleotide variant.
Coding change: c.67G>T on transcript NM_001005242.3 (MANE Select); coding-DNA position 67, G replaced by T.
Protein change: p.Gly23Ter; replaces glycine 23 with a stop codon.
Molecular consequence: nonsense. On other transcripts: 5 prime UTR variant (4).
Genome position (GRCh38, 1-based): chr12:32,896,665, C>A on the plus strand (G>T on the coding strand, the complement: PKP2 is on the minus strand). VCF-style: chr12-32896665-C-A. GRCh37 (hg19) VCF-style: chr12-33049599-C-A.
Other names: c.67G>T, p.Gly23Ter (NM_004572.4, NM_001407155.1, NM_001407156.1 and 2 more transcripts); c.-760G>T (NM_001407158.1, NM_001407162.1); c.-524G>T (NM_001407159.1, NM_001407160.1); short protein forms G23*.
Identifiers: ClinVar variation 2707461 (VCV002707461.3), dbSNP rs770498155, ClinGen allele CA384371581.